The following is an entry in ClinVar:

NM_000038.6(APC):c.6760A>T (p.Lys2254Ter)

Gene: APC (APC regulator of Wnt signaling pathway; plus strand). Cytogenetic location: 5q22.2.
Variant type: single nucleotide variant.
Coding change: c.6760A>T on transcript NM_000038.6 (MANE Select); coding-DNA position 6760, A replaced by T.
Protein change: p.Lys2254Ter; replaces lysine 2254 with a stop codon.
Molecular consequence: nonsense.
Genome position (GRCh38, 1-based): chr5:112,842,354, A>T. VCF-style: chr5-112842354-A-T. GRCh37 (hg19) VCF-style: chr5-112178051-A-T.
Other names: c.6760A>T, p.Lys2254Ter (NM_001127510.3, NM_001354895.2); c.6706A>T, p.Lys2236Ter (NM_001127511.3); c.6814A>T, p.Lys2272Ter (NM_001354896.2); c.6790A>T, p.Lys2264Ter (NM_001354897.2); c.6685A>T, p.Lys2229Ter (NM_001354898.2); c.6676A>T, p.Lys2226Ter (NM_001354899.2); c.6637A>T, p.Lys2213Ter (NM_001354900.2); c.6583A>T, p.Lys2195Ter (NM_001354901.2); and 5 more; short protein forms K2163*, K2213*, K2254*, K2264*, K2128*, K2195*, K2229*, K2094*.
Identifiers: ClinVar variation 1413036 (VCV001413036.11), dbSNP rs2149972499, ClinGen allele CA16036099.

ClinVar aggregate classification (germline): Pathogenic/Likely pathogenic. Review status: criteria provided, multiple submitters, no conflicts (2 of 4 stars). 3 submissions from 3 submitters: Pathogenic (2); Likely pathogenic (1). Last evaluated 2023-05-16.

Conditions:
Hereditary cancer-predisposing syndrome. Also called: Hereditary Cancer Syndrome; Tumor predisposition; Hereditary neoplastic syndrome; Neoplastic Syndromes, Hereditary. Identifiers: Orphanet 140162, MedGen C0027672, MeSH D009386, MONDO:0015356.
Familial adenomatous polyposis 1 (FAP1). Also called: FAMILIAL ADENOMATOUS POLYPOSIS 1, ATTENUATED; POLYPOSIS, ADENOMATOUS INTESTINAL. Identifiers: MedGen C2713442, MONDO:0021056, OMIM 175100. Disease mechanism: loss of function.

Submissions (3):

Myriad Genetics, Inc.
Classification: Pathogenic for Familial adenomatous polyposis 1. Last evaluated: 2023-05-16. Review status: criteria provided, single submitter. Criteria: Myriad Autosomal Dominant, Autosomal Recessive and X-Linked Classification Criteria (2023). Collection method: clinical testing. Allele origin: unknown.
Comment: This variant is considered pathogenic. This variant creates a termination codon and is predicted to result in premature protein truncation.

Ambry Genetics
Classification: Likely pathogenic for Hereditary cancer-predisposing syndrome. Last evaluated: 2021-11-01. Review status: criteria provided, single submitter. Criteria: Ambry Variant Classification Scheme 2023. Collection method: clinical testing. Allele origin: germline.
Comment: The p.K2254* variant (also known as c.6760A>T), located in coding exon 15 of the APC gene, results from an A to T substitution at nucleotide position 6760. This changes the amino acid from a lysine to a stop codon within coding exon 15. This alteration occurs at the 3' terminus of theAPC gene, is not expected to trigger nonsense-mediated mRNA decay, and impacts the last 590 amino acids of the protein. However, premature stop codons are typically deleterious in nature and the impacted region is critical for protein function and a significant portion of the protein is affected (Ambry internal data). This variant is considered to be rare based on population cohorts in the Genome Aggregation Database (gnomAD). Based on the majority of available evidence to date, this variant is likely to be pathogenic.

Labcorp Genetics (formerly Invitae), Labcorp
Classification: Pathogenic for Familial adenomatous polyposis 1. Last evaluated: 2021-01-30. Review status: criteria provided, single submitter. Criteria: Invitae Variant Classification Sherloc (09022015). Collection method: clinical testing. Allele origin: germline.
Comment: This sequence change creates a premature translational stop signal (p.Lys2254*) in the APC gene. While this is not anticipated to result in nonsense mediated decay, it is expected to disrupt the last 590 amino acid(s) of the APC protein. This variant is not present in population databases (ExAC no frequency). This variant has not been reported in the literature in individuals with APC-related conditions. This variant is expected to disrupt the EB1 and HDLG binding sites, which mediate interactions with the cytoskeleton (PMID: 15311282, 17293347). While functional studies have not been performed to directly test the effect on APC protein function, this suggests that disruption of the C-terminal portion of the protein is functionally important. For these reasons, this variant has been classified as Pathogenic. A different truncation (p.Tyr2645Lysfs*14) that lies downstream of this variant has been determined to be pathogenic (PMID: 9824584, 1316610, 27081525, 8381579, 22135120, Invitae). This suggests that deletion of this region of the APC protein is causative of disease.

Literature cited by the submitters: PubMed 15311282 (cited by Labcorp Genetics (formerly Invitae), Labcorp); PubMed 17293347 (cited by Labcorp Genetics (formerly Invitae), Labcorp); PubMed 9824584 (cited by Labcorp Genetics (formerly Invitae), Labcorp); PubMed 1316610 (cited by Labcorp Genetics (formerly Invitae), Labcorp); PubMed 27081525 (cited by Labcorp Genetics (formerly Invitae), Labcorp); PubMed 8381579 (cited by Labcorp Genetics (formerly Invitae), Labcorp); PubMed 22135120 (cited by Labcorp Genetics (formerly Invitae), Labcorp).